The following is an entry in ClinVar:

NM_032861.4(SERAC1):c.1720C>G (p.Leu574Val)

Gene: SERAC1 (serine active site containing 1; minus strand). Cytogenetic location: 6q25.3.
Variant type: single nucleotide variant.
Coding change: c.1720C>G on transcript NM_032861.4 (MANE Select); coding-DNA position 1720, C replaced by G.
Protein change: p.Leu574Val; replaces leucine 574 with valine.
Molecular consequence: missense variant.
Genome position (GRCh38, 1-based): chr6:158,113,557, G>C on the plus strand (C>G on the coding strand, the complement: SERAC1 is on the minus strand). VCF-style: chr6-158113557-G-C. GRCh37 (hg19) VCF-style: chr6-158534589-G-C.
Other names: short protein forms L574V.
Identifiers: ClinVar variation 2068596 (VCV002068596.4), dbSNP rs1326086151, ClinGen allele CA366254404.

ClinVar aggregate classification (germline): Uncertain significance (1 of 4 stars; one submission).

Conditions:
3-methylglutaconic aciduria with deafness, encephalopathy, and Leigh-like syndrome (MEGDEL). Also called: 3-METHYLGLUTACONIC ACIDURIA, TYPE VI; SERAC1 Deficiency; MEGDEL syndrome. Identifiers: Orphanet 352328, MedGen C4040739, MONDO:0013875, OMIM 614739.

Allele frequency attached by ClinVar (database versions not stated): gnomAD exomes below 0.00001.
gnomAD v4.1: 1 of 1,613,828 alleles (0.000062%); highest among the groups gnomAD compares: South Asian, 0.0011%; no homozygotes.

Submission:

Labcorp Genetics (formerly Invitae), Labcorp
Classification: Uncertain significance for 3-methylglutaconic aciduria with deafness, encephalopathy, and Leigh-like syndrome. Last evaluated: 2022-01-01. Review status: criteria provided, single submitter. Criteria: Invitae Variant Classification Sherloc (09022015). Collection method: clinical testing. Allele origin: germline.
Comment: In summary, the available evidence is currently insufficient to determine the role of this variant in disease. Therefore, it has been classified as a Variant of Uncertain Significance. Algorithms developed to predict the effect of missense changes on protein structure and function output the following: SIFT: "Tolerated"; PolyPhen-2: "Benign"; Align-GVGD: "Class C0". The valine amino acid residue is found in multiple mammalian species, which suggests that this missense change does not adversely affect protein function. This variant has not been reported in the literature in individuals affected with SERAC1-related conditions. This variant is present in population databases (no rsID available, gnomAD 0.003%). This sequence change replaces leucine, which is neutral and non-polar, with valine, which is neutral and non-polar, at codon 574 of the SERAC1 protein (p.Leu574Val).